The following is an entry in ClinVar:

NM_015681.6(B9D1):c.83T>C (p.Leu28Pro)

Gene: B9D1 (B9 domain containing 1; minus strand). Cytogenetic location: 17p11.2.
Variant type: single nucleotide variant.
Coding change: c.83T>C on transcript NM_015681.6 (MANE Select); coding-DNA position 83, T replaced by C.
Protein change: p.Leu28Pro; replaces leucine 28 with proline.
Molecular consequence: missense variant. On other transcripts: 5 prime UTR variant (1).
Genome position (GRCh38, 1-based): chr17:19,360,369, A>G on the plus strand (T>C on the coding strand, the complement: B9D1 is on the minus strand). VCF-style: chr17-19360369-A-G. GRCh37 (hg19) VCF-style: chr17-19263682-A-G.
Other names: c.83T>C, p.Leu28Pro (NM_001321214.2, NM_001321215.3, NM_001321216.2 and 4 more transcripts); c.-278T>C (NM_001368769.2); short protein forms L28P.
Identifiers: ClinVar variation 2100226 (VCV002100226.4), dbSNP rs2508697456, ClinGen allele CA398699415.

ClinVar aggregate classification (germline): Uncertain significance (1 of 4 stars; one submission).

Conditions:
Joubert syndrome. Also called: CEREBELLOPARENCHYMAL DISORDER IV; JOUBERT-BOLTSHAUSER SYNDROME; Familial aplasia of the vermis. Identifiers: Orphanet 475, MedGen C5979921, MONDO:0018772.
Meckel-Gruber syndrome. Also called: DYSENCEPHALIA SPLANCHNOCYSTICA; GRUBER SYNDROME; Dysencephalia splachnocystica. Identifiers: Orphanet 564, MedGen C0265215, MONDO:0018921.

Allele frequency attached by ClinVar (database versions not stated): gnomAD exomes below 0.00001.
gnomAD v4.1: 1 of 1,613,950 alleles (0.000062%); highest among the groups gnomAD compares: Non-Finnish European, 0.000085%; no homozygotes.

Submission:

Labcorp Genetics (formerly Invitae), Labcorp
Classification: Uncertain significance for Joubert syndrome; Meckel-Gruber syndrome. Last evaluated: 2022-03-11. Review status: criteria provided, single submitter. Criteria: Invitae Variant Classification Sherloc (09022015). Collection method: clinical testing. Allele origin: germline.
Comment: In summary, the available evidence is currently insufficient to determine the role of this variant in disease. Therefore, it has been classified as a Variant of Uncertain Significance. Algorithms developed to predict the effect of missense changes on protein structure and function (SIFT, PolyPhen-2, Align-GVGD) all suggest that this variant is likely to be disruptive. This variant has not been reported in the literature in individuals affected with B9D1-related conditions. This variant is not present in population databases (gnomAD no frequency). This sequence change replaces leucine, which is neutral and non-polar, with proline, which is neutral and non-polar, at codon 28 of the B9D1 protein (p.Leu28Pro).